The following is an entry in ClinVar:

ClinVar aggregate classification (germline): Uncertain significance (1 of 4 stars; one submission).

Allele frequency attached by ClinVar (database versions not stated): gnomAD exomes 0.00001.
gnomAD v4.1: 7 of 1,211,866 alleles (0.00058%); highest among the groups gnomAD compares: South Asian, 0.0018%; no homozygotes.

Submission:

Labcorp Genetics (formerly Invitae), Labcorp
Classification: Uncertain significance. Last evaluated: 2023-11-18. Review status: criteria provided, single submitter. Criteria: Invitae Variant Classification Sherloc (09022015). Collection method: clinical testing. Allele origin: germline.
Comment: This sequence change replaces methionine, which is neutral and non-polar, with isoleucine, which is neutral and non-polar, at codon 482 of the CLCN4 protein (p.Met482Ile). This variant is not present in population databases (gnomAD no frequency). This variant has not been reported in the literature in individuals affected with CLCN4-related conditions. Advanced modeling of protein sequence and biophysical properties (such as structural, functional, and spatial information, amino acid conservation, physicochemical variation, residue mobility, and thermodynamic stability) performed at Invitae indicates that this missense variant is not expected to disrupt CLCN4 protein function with a negative predictive value of 95%. In summary, the available evidence is currently insufficient to determine the role of this variant in disease. Therefore, it has been classified as a Variant of Uncertain Significance.

NM_001830.4(CLCN4):c.1446G>A (p.Met482Ile)

Gene: CLCN4 (chloride voltage-gated channel 4; plus strand). Cytogenetic location: Xp22.2.
Variant type: single nucleotide variant.
Coding change: c.1446G>A on transcript NM_001830.4 (MANE Select); coding-DNA position 1446, G replaced by A.
Protein change: p.Met482Ile; replaces methionine 482 with isoleucine.
Molecular consequence: missense variant.
Genome position (GRCh38, 1-based): chrX:10,212,523, G>A. VCF-style: chrX-10212523-G-A. GRCh37 (hg19) VCF-style: chrX-10180563-G-A.
Other names: c.1164G>A, p.Met388Ile (NM_001256944.2); short protein forms M388I, M482I.
Identifiers: ClinVar variation 2787184 (VCV002787184.3), dbSNP rs1924585724, ClinGen allele CA412040744.
Genomic context (GRCh38, chrX:10,212,523, plus strand): 5'-CAAGATCCCGTCGGGCCTCTTCATCCCCAGCATGGCTGTGGGCGCGATAGCGGGCAGGAT[G>A]GTGGGAATTGGCGTGGAGCAGCTGGCCTACCATCACCATGACTGGATCATCTTCAGGAAC-3'
Protein context (NP_001821.2, residues 472-492): SMAVGAIAGR[Met482Ile]VGIGVEQLAY